The following is an entry in ClinVar:

ClinVar aggregate classification (germline): Uncertain significance (1 of 4 stars; one submission).

Conditions:
Congenital disorder of glycosylation, type Ii. Also called: CDG Ii; ALG2-congenital disorder of glycosylation; ALG2-CDG. Identifiers: Orphanet 79326, MedGen C1842836, MONDO:0011933, OMIM 607906.
Congenital myasthenic syndrome 14. Also called: Myasthenic syndrome, congenital, 14, with tubular aggregates. Identifiers: Orphanet 353327, Orphanet 590, MedGen C4015597, MONDO:0014543, OMIM 616228.

Submission:

Labcorp Genetics (formerly Invitae), Labcorp
Classification: Uncertain significance for Congenital disorder of glycosylation, type Ii; Congenital myasthenic syndrome 14. Last evaluated: 2022-08-16. Review status: criteria provided, single submitter. Criteria: Invitae Variant Classification Sherloc (09022015). Collection method: clinical testing. Allele origin: germline.
Comment: This variant, c.260_262dup, results in the insertion of 1 amino acid(s) of the ALG2 protein (p.Ala87dup), but otherwise preserves the integrity of the reading frame. This variant is present in population databases (rs759891618, gnomAD 0.1%). This variant has not been reported in the literature in individuals affected with ALG2-related conditions. ClinVar contains an entry for this variant (Variation ID: 647919). Experimental studies and prediction algorithms are not available or were not evaluated, and the functional significance of this variant is currently unknown. In summary, the available evidence is currently insufficient to determine the role of this variant in disease. Therefore, it has been classified as a Variant of Uncertain Significance.

NM_033087.4(ALG2):c.257CCG[3] (p.Ala87dup)

Gene: ALG2 (ALG2 alpha-1,3/1,6-mannosyltransferase; minus strand). Cytogenetic location: 9q22.33.
Variant type: Microsatellite.
Coding change: c.257CCG[3] on transcript NM_033087.4 (MANE Select); three copies in a row of the 3-base unit CCG starting at c.257; the reference has two copies in a row; one copy, 3 bases duplicated; also written c.260_262dup.
Protein change: p.Ala87dup; duplicates alanine 87.
Molecular consequence: inframe insertion. On other transcripts: non-coding transcript variant (1).
Genome position (GRCh38, 1-based): chr9:99,221,633-99,221,635, CGG duplicated on the plus strand (CCG on the coding strand, the reverse complement: ALG2 is on the minus strand); duplicating any 3 consecutive bases within chr9:99,221,633-99,221,640 gives the same sequence; the position shown is the placement nearest the transcript's 3' end. VCF-style (leftmost placement, unchanged base first): chr9-99221632-A-ACGG. GRCh37 (hg19) VCF-style: chr9-101983914-A-ACGG.
Other names: c.260_262dup (NM_033087.3).
Identifiers: ClinVar variation 647919 (VCV000647919.8), dbSNP rs759891618, ClinGen allele CA5156428.
Genomic context (GRCh38, chr9:99,221,632, plus strand): 5'-TCCTCGTCGGCGAGGAACAGCACGTAGAGCGCCAGGAAAACCATGCGCACGTAGGCGCAG[A>ACGG]CGGCGGCGCCGCGGCCGCCCCAGCCCAGGCCTCGCGGCAGCCAGTCCCCGGCACAGCGCA-3'